The following is an entry in ClinVar:

ClinVar aggregate classification (germline): Benign/Likely benign. Review status: criteria provided, multiple submitters, no conflicts (2 of 4 stars). 10 submissions from 9 submitters: Benign (5); Likely benign (3). 2 of the submissions do not count toward it. Last evaluated 2026-01-27.

Conditions:
Cardiovascular phenotype. Identifiers: MedGen CN230736.
Hypoalphalipoproteinemia, primary, 1. Identifiers: Orphanet 425, MedGen C5231558, MONDO:0011393, OMIM 604091.
Tangier disease (TGD). Also called: HIGH DENSITY LIPOPROTEIN DEFICIENCY, TANGIER TYPE; HIGH DENSITY LIPOPROTEIN DEFICIENCY, TYPE 1; Cholesterol thesaurismosis. Identifiers: Orphanet 31150, MedGen C0039292, MONDO:0008783, OMIM 205400.

Allele frequency attached by ClinVar (database versions not stated): gnomAD 0.00028 and 0.00045; TOPMed 0.00031; ESP Exome Variant Server 0.00038; 1000 Genomes Project 0.00040; 1000 Genomes Project 30x 0.00047; gnomAD exomes 0.00088 and 0.00132; ExAC 0.00147.
gnomAD v4.1: 1,337 of 1,614,204 alleles (0.083%); highest among the groups gnomAD compares: South Asian, 0.63%; 14 homozygotes.

Submissions (11):

Labcorp Genetics (formerly Invitae), Labcorp
Classification: Benign. Last evaluated: 2026-01-27. Review status: criteria provided, single submitter. Criteria: Invitae Variant Classification Sherloc (09022015). Collection method: clinical testing. Allele origin: germline.

CeGaT Center for Human Genetics Tuebingen
Classification: Likely benign. Last evaluated: 2026-01-01. Review status: criteria provided, single submitter. Criteria: CeGaT Center For Human Genetics Tuebingen Variant Classification Criteria Version 2. Collection method: clinical testing. Allele origin: germline. Affected: yes. Observed: 1 variant allele.
Comment: ABCA1: BP4, BP7, BS2

GeneDx
Classification: Benign. Last evaluated: 2021-04-22. Review status: criteria provided, single submitter. Criteria: GeneDx Variant Classification Process June 2021. Collection method: clinical testing. Allele origin: germline. Affected: yes.
Comment: This variant is associated with the following publications: (PMID: 22923420, 15935359)

Ambry Genetics
Classification: Benign for Cardiovascular phenotype. Last evaluated: 2020-11-30. Review status: criteria provided, single submitter. Criteria: Ambry Variant Classification Scheme 2023. Collection method: clinical testing. Allele origin: germline.

Illumina Laboratory Services, Illumina
Classification: Likely benign for Tangier disease. Last evaluated: 2018-01-13. Review status: criteria provided, single submitter. Criteria: ICSL Variant Classification Criteria 13 December 2019. Collection method: clinical testing. Allele origin: germline.
Comment: This variant was observed in the ICSL laboratory as part of a predisposition screen in an ostensibly healthy population. It had not been previously curated by ICSL or reported in the Human Gene Mutation Database (HGMD: prior to June 1st, 2018), and was therefore a candidate for classification through an automated scoring system. Utilizing variant allele frequency, disease prevalence and penetrance estimates, and inheritance mode, an automated score was calculated to assess if this variant is too frequent to cause the disease. Based on the score and internal cut-off values, a variant classified as likely benign is not then subjected to further curation. The score for this variant resulted in a classification of likely benign for this disease.

Illumina Laboratory Services, Illumina
Classification: Benign for Hypoalphalipoproteinemia, primary, 1. Last evaluated: 2018-01-13. Review status: criteria provided, single submitter. Criteria: ICSL Variant Classification Criteria 13 December 2019. Collection method: clinical testing. Allele origin: germline.
Comment: This variant was observed in the ICSL laboratory as part of a predisposition screen in an ostensibly healthy population. It had not been previously curated by ICSL or reported in the Human Gene Mutation Database (HGMD: prior to June 1st, 2018), and was therefore a candidate for classification through an automated scoring system. Utilizing variant allele frequency, disease prevalence and penetrance estimates, and inheritance mode, an automated score was calculated to assess if this variant is too frequent to cause the disease. Based on the score and internal cut-off values, a variant classified as benign is not then subjected to further curation. The score for this variant resulted in a classification of benign for this disease.

Women's Health and Genetics/Laboratory Corporation of America, LabCorp
Classification: Benign. Last evaluated: 2017-02-20. Review status: criteria provided, single submitter. Criteria: LabCorp Variant Classification Summary - May 2015. Collection method: clinical testing. Allele origin: germline.
Comment: Variant summary: The ABCA1 c.3204C>T (p.Arg1068Arg) variant involves the alteration of a non-conserved nucleotide, resulting in a synonymous change. One in silico tool predicts a damaging outcome for this variant. 3/5 splice prediction tools predict no significant impact on normal splicing. ESE finder predicts that this variant may affect ESE sites. However, these predictions have yet to be confirmed by functional studies. This variant was found in 183/127812 control chromosomes (3 homozygotes) at a frequency of 0.0014318, which is approximately 115 times the estimated maximal expected allele frequency of a pathogenic ABCA1 variant (0.0000125), suggesting this variant is likely a benign polymorphism. This variant has not, to our knowledge, been reported in any affected individuals via publications. In addition, one clinical diagnostic laboratory classified this variant as likely benign. Taken together, this variant is classified as benign.

Breakthrough Genomics
Classification: Likely benign. Review status: criteria provided, single submitter. Criteria: ACMG Guidelines, 2015. Collection method: not provided. Allele origin: germline. Inheritance: Autosomal recessive inheritance. Affected: yes.

Clinical Genetics DNA and cytogenetics Diagnostics Lab, Erasmus MC, Erasmus Medical Center
Classification: Likely benign. Review status: no assertion criteria provided. Collection method: clinical testing. Allele origin: germline. Affected: yes. Study: VKGL Data-share Consensus. Not counted in ClinVar's aggregate classification.

Clinical Genetics, Academic Medical Center
Classification: Benign. Review status: no assertion criteria provided. Collection method: clinical testing. Allele origin: germline. Affected: yes. Study: VKGL Data-share Consensus. Not counted in ClinVar's aggregate classification.

Dr. Peter K. Rogan Lab, Western University
No classification provided (evidence only). Condition: Malignant tumor of urinary bladder. Review status: no classification provided. Collection method: in vitro. Allele origin: not applicable. Functional consequence: retained intron. Not counted in ClinVar's aggregate classification.

Literature cited by the submitters: PubMed 22923420 (cited by Women's Health and Genetics/Laboratory Corporation of America, LabCorp); PubMed 15935359 (cited by Women's Health and Genetics/Laboratory Corporation of America, LabCorp).

NM_005502.4(ABCA1):c.3204C>T (p.Arg1068=)

Gene: ABCA1 (ATP binding cassette subfamily A member 1; minus strand). Cytogenetic location: 9q31.1.
Variant type: single nucleotide variant.
Coding change: c.3204C>T on transcript NM_005502.4 (MANE Select); coding-DNA position 3204, C replaced by T.
Protein change: p.Arg1068=; no amino-acid change (arginine 1068 retained).
Molecular consequence: synonymous variant.
Genome position (GRCh38, 1-based): chr9:104,819,623, G>A on the plus strand (C>T on the coding strand, the complement: ABCA1 is on the minus strand). VCF-style: chr9-104819623-G-A. GRCh37 (hg19) VCF-style: chr9-107581904-G-A.
Identifiers: ClinVar variation 364420 (VCV000364420.33), dbSNP rs55814314, ClinGen allele CA5168513.